The following is an entry in ClinVar:

NM_006623.4(PHGDH):c.1522G>C (p.Val508Leu)

Gene: PHGDH (phosphoglycerate dehydrogenase; plus strand). Cytogenetic location: 1p12.
Variant type: single nucleotide variant.
Coding change: c.1522G>C on transcript NM_006623.4 (MANE Select); coding-DNA position 1522, G replaced by C.
Protein change: p.Val508Leu; replaces valine 508 with leucine.
Molecular consequence: missense variant.
Genome position (GRCh38, 1-based): chr1:119,743,960, G>C. VCF-style: chr1-119743960-G-C. GRCh37 (hg19) VCF-style: chr1-120286583-G-C.
Other names: short protein forms V508L.
Identifiers: ClinVar variation 4754011 (VCV004754011.1).
Genomic context (GRCh38, chr1:119,743,960, plus strand): 5'-GCAGGCGTGCGGCTGCTGTCCTACCAGACTTCACTGGTGTCAGATGGGGAGACCTGGCAC[G>C]TCATGGGCATCTCCTCCTTGCTGCCCAGCCTGGAAGCGTGGAAGCAGCATGTGACTGAAG-3'
Protein context (NP_006614.2, residues 498-518): SLVSDGETWH[Val508Leu]MGISSLLPSL

ClinVar aggregate classification (germline): Uncertain significance (1 of 4 stars; one submission).

Conditions:
PHGDH deficiency. Identifiers: Orphanet 79351, MedGen C1866174, MONDO:0011152, OMIM 601815.

gnomAD v4.1: 9 of 1,613,802 alleles (0.00056%); highest among the groups gnomAD compares: Admixed American, 0.0033%; no homozygotes.

Submission:

Labcorp Genetics (formerly Invitae), Labcorp
Classification: Uncertain significance for PHGDH deficiency. Last evaluated: 2025-02-06. Review status: criteria provided, single submitter. Criteria: Invitae Variant Classification Sherloc (09022015). Collection method: clinical testing. Allele origin: germline.
Comment: This sequence change replaces valine, which is neutral and non-polar, with leucine, which is neutral and non-polar, at codon 508 of the PHGDH protein (p.Val508Leu). This variant is present in population databases (no rsID available, gnomAD 0.01%). This variant has not been reported in the literature in individuals affected with PHGDH-related conditions. Invitae Evidence Modeling of protein sequence and biophysical properties (such as structural, functional, and spatial information, amino acid conservation, physicochemical variation, residue mobility, and thermodynamic stability) indicates that this missense variant is expected to disrupt PHGDH protein function with a positive predictive value of 80%. In summary, the available evidence is currently insufficient to determine the role of this variant in disease. Therefore, it has been classified as a Variant of Uncertain Significance.